The following is an entry in ClinVar:

ClinVar aggregate classification (germline): Uncertain significance (1 of 4 stars; one submission).

Conditions:
SEMA3F-related disorder. Also called: SEMA3F-related condition.

gnomAD v4.1: 69 of 1,607,632 alleles (0.0043%); highest among the groups gnomAD compares: Non-Finnish European, 0.0058%; no homozygotes.

Submission:

PreventionGenetics, part of Exact Sciences
Classification: Uncertain significance for SEMA3F-related condition. Last evaluated: 2026-03-10. Review status: criteria provided, single submitter. Criteria: ACMG Guidelines, 2015. Collection method: clinical testing. Allele origin: germline.
Comment: The SEMA3F c.2170A>G variant is predicted to result in the amino acid substitution p.Thr724Ala. This variant has been reported in a cohort of individuals with megacolon (Camilleri et al. 2019. PubMed ID: 30663199). A different substitution affecting the same amino acid (p.Thr724Met) has been reported in association with hypogonadotropic hypogonadism (Kotan et al. 2021. PubMed ID: 33495532). This variant is reported in 0.0072% of alleles in individuals of African descent in gnomAD. At this time, the clinical significance of this variant is uncertain due to the absence of conclusive functional and genetic evidence.

NM_004186.5(SEMA3F):c.2170A>G (p.Thr724Ala)

Gene: SEMA3F (semaphorin 3F; plus strand). Cytogenetic location: 3p21.31.
Variant type: single nucleotide variant.
Coding change: c.2170A>G on transcript NM_004186.5 (MANE Select); coding-DNA position 2170, A replaced by G.
Protein change: p.Thr724Ala; replaces threonine 724 with alanine.
Molecular consequence: missense variant.
Genome position (GRCh38, 1-based): chr3:50,187,927, A>G. VCF-style: chr3-50187927-A-G. GRCh37 (hg19) VCF-style: chr3-50225360-A-G.
Other names: c.1873A>G, p.Thr625Ala (NM_001318798.2); c.2077A>G, p.Thr693Ala (NM_001318800.2); short protein forms T693A, T625A, T724A.
Identifiers: ClinVar variation 4986817 (VCV004986817.1).